The following is an entry in ClinVar:

NM_001242896.3(DEPDC5):c.3810C>T (p.Ala1270=)

Gene: DEPDC5 (DEP domain containing 5, GATOR1 subcomplex subunit; plus strand). Cytogenetic location: 22q12.3.
Variant type: single nucleotide variant.
Coding change: c.3810C>T on transcript NM_001242896.3 (MANE Select); coding-DNA position 3810, C replaced by T.
Protein change: p.Ala1270=; no amino-acid change (alanine 1270 retained).
Molecular consequence: synonymous variant. On other transcripts: non-coding transcript variant (5).
Genome position (GRCh38, 1-based): chr22:31,879,529, C>T. VCF-style: chr22-31879529-C-T. GRCh37 (hg19) VCF-style: chr22-32275515-C-T.
Other names: p.Ala1270=; c.3783C>T, p.Ala1261= (NM_001136029.4); c.3510C>T, p.Ala1170= (NM_001242897.2); c.3744C>T, p.Ala1248= (NM_001363852.2, NM_001364320.2); c.3576C>T, p.Ala1192= (NM_001363854.2, NM_001364319.2); c.3810C>T, p.Ala1270= (NM_001364318.2); c.3726C>T, p.Ala1242= (NM_001369901.1, NM_001369902.1); c.3717C>T, p.Ala1239= (NM_001369903.1, NM_014662.6).
Identifiers: ClinVar variation 414446 (VCV000414446.23), dbSNP rs200033252, ClinGen allele CA10197122.
Genomic context (GRCh38, chr22:31,879,529, plus strand): 5'-TGAAGAAAATAAGCATTTGTGTTGAGTACTCCTTCTCTCCCCTCCACTTTTCCCAGTGGC[C>T]ATGCAGCAGCCCGCCACCACCTGGCACACAGCAGGAGTGGACGACTTCGCCAGCTTCCAG-3'
Protein context (NP_001229825.1, residues 1260-1280): IVTDKEPDRV[Ala1270=]MQQPATTWHT

ClinVar aggregate classification (germline): Benign/Likely benign. Review status: criteria provided, multiple submitters, no conflicts (2 of 4 stars). 7 submissions from 7 submitters: Benign (4); Likely benign (2). 1 of the submissions does not count toward it. Last evaluated 2026-07-01.

Conditions:
Familial focal epilepsy with variable foci (FPEVF). Identifiers: Orphanet 98820, MedGen C1858477, MONDO:0020310.
Inborn genetic diseases. Identifiers: MedGen C0950123, MeSH D030342.
DEPDC5-related disorder. Also called: DEPDC5-related related disorder; DEPDC5-related condition.

Allele frequency attached by ClinVar (database versions not stated): gnomAD exomes 0.00051 and 0.00113; ExAC 0.00113; gnomAD 0.00237 and 0.00252; TOPMed 0.00252; 1000 Genomes Project 0.00260; ESP Exome Variant Server 0.00283.
gnomAD v4.1: 1,131 of 1,609,266 alleles (0.07%); highest among the groups gnomAD compares: African/African-American, 0.72%; 7 homozygotes.

Submissions (7):

CeGaT Center for Human Genetics Tuebingen
Classification: Likely benign. Last evaluated: 2026-07-01. Review status: criteria provided, single submitter. Criteria: CeGaT Center For Human Genetics Tuebingen Variant Classification Criteria Version 2. Collection method: clinical testing. Allele origin: germline. Affected: yes. Observed: 1 variant allele.
Comment: DEPDC5: BP4, BP7

Labcorp Genetics (formerly Invitae), Labcorp
Classification: Benign for Familial focal epilepsy with variable foci. Last evaluated: 2026-01-14. Review status: criteria provided, single submitter. Criteria: Invitae Variant Classification Sherloc (09022015). Collection method: clinical testing. Allele origin: germline.

ARUP Laboratories, Molecular Genetics and Genomics, ARUP Laboratories
Classification: Benign. Last evaluated: 2025-03-17. Review status: criteria provided, single submitter. Criteria: ARUP Molecular Germline Variant Investigation Process 2024. Collection method: clinical testing. Allele origin: germline.

Mayo Clinic Laboratories, Mayo Clinic
Classification: Benign. Last evaluated: 2019-11-21. Review status: criteria provided, single submitter. Criteria: ACMG Guidelines, 2015. Collection method: clinical testing. Allele origin: germline. Observed: 2 variant alleles.

GeneDx
Classification: Benign. Last evaluated: 2019-03-07. Review status: criteria provided, single submitter. Criteria: GeneDx Variant Classification Process June 2021. Collection method: clinical testing. Allele origin: germline. Affected: yes.

Ambry Genetics
Classification: Likely benign for Inborn genetic diseases. Last evaluated: 2016-03-18. Review status: criteria provided, single submitter. Criteria: Ambry Variant Classification Scheme 2023. Collection method: clinical testing. Allele origin: germline.

PreventionGenetics, part of Exact Sciences
Classification: Benign for DEPDC5-related condition. Last evaluated: 2024-06-08. Review status: no assertion criteria provided. Collection method: clinical testing. Allele origin: germline. Not counted in ClinVar's aggregate classification.
Comment: This variant is classified as benign based on ACMG/AMP sequence variant interpretation guidelines (Richards et al. 2015 PMID: 25741868, with internal and published modifications).